The following is an entry in ClinVar:

NM_014712.3(SETD1A):c.3376_3377delinsTT (p.Pro1126Phe)

Gene: SETD1A (SET domain containing 1A, histone lysine methyltransferase; plus strand). Cytogenetic location: 16p11.2.
Variant type: Indel.
Coding change: c.3376_3377delinsTT on transcript NM_014712.3 (MANE Select); coding-DNA positions 3376 to 3377, CC replaced by TT.
Protein change: p.Pro1126Phe; replaces proline 1126 with phenylalanine.
Molecular consequence: missense variant.
Genome position (GRCh38, 1-based): chr16:30,979,162-30,979,163, CC replaced by TT. VCF-style: chr16-30979162-CC-TT. GRCh37 (hg19) VCF-style: chr16-30990483-CC-TT.
Other names: short protein forms P1126F.
Identifiers: ClinVar variation 4849145 (VCV004849145.1).

ClinVar aggregate classification (germline): Uncertain significance (1 of 4 stars; one submission).

Submission:

Women's Health and Genetics/Laboratory Corporation of America, LabCorp
Classification: Uncertain significance. Last evaluated: 2026-04-22. Review status: criteria provided, single submitter. Criteria: LabCorp Variant Classification Summary - May 2015. Collection method: clinical testing. Allele origin: germline.
Comment: Variant summary: SETD1A c.3376_3377delinsTT (p.Pro1126Phe) results in a non-conservative amino acid change in the encoded protein sequence. Algorithms developed to predict the effect of missense changes on protein structure and function all suggest that this variant is likely to be disruptive. The variant was absent in 214616 control chromosomes. The available data on variant occurrences in the general population are insufficient to allow any conclusion about variant significance. To our knowledge, no occurrence of c.3376_3377delinsTT in individuals affected with SETD1A-related conditions and no experimental evidence demonstrating its impact on protein function have been reported. No submitters have cited clinical-significance assessments for this variant to ClinVar. Based on the evidence outlined above, the variant was classified as uncertain significance.